The following is an entry in ClinVar:

NM_018389.5(SLC35C1):c.902C>T (p.Thr301Met)

Gene: SLC35C1 (solute carrier family 35 member C1; plus strand). Cytogenetic location: 11p11.2.
Variant type: single nucleotide variant.
Coding change: c.902C>T on transcript NM_018389.5 (MANE Select); coding-DNA position 902, C replaced by T.
Protein change: p.Thr301Met; replaces threonine 301 with methionine.
Molecular consequence: missense variant.
Genome position (GRCh38, 1-based): chr11:45,811,142, C>T. VCF-style: chr11-45811142-C-T. GRCh37 (hg19) VCF-style: chr11-45832693-C-T.
Other names: c.863C>T, p.Thr288Met (NM_001145265.2, NM_001145266.2); short protein forms T301M, T288M.
Identifiers: ClinVar variation 940550 (VCV000940550.6), dbSNP rs770499899, ClinGen allele CA5958355.

ClinVar aggregate classification (germline): Uncertain significance (1 of 4 stars; one submission).

Conditions:
Leukocyte adhesion deficiency type II. Also called: CONGENITAL DISORDER OF GLYCOSYLATION, TYPE IIc; CDG IIc; Congenital disorder of glycosylation type 2C; CDG 2C; Leukocyte adhesion deficiency type 2; Rambam Hasharon syndrome. Identifiers: Orphanet 2968, Orphanet 99843, MedGen C0398739, MONDO:0009953, OMIM 266265.

Allele frequency attached by ClinVar (database versions not stated): TOPMed below 0.00001; ExAC 0.00001; gnomAD 0.00001; gnomAD exomes 0.00001.
gnomAD v4.1: 18 of 1,611,426 alleles (0.0011%); highest among the groups gnomAD compares: Admixed American, 0.0067%; no homozygotes.

Submission:

Labcorp Genetics (formerly Invitae), Labcorp
Classification: Uncertain significance for Leukocyte adhesion deficiency type II. Last evaluated: 2022-07-17. Review status: criteria provided, single submitter. Criteria: Invitae Variant Classification Sherloc (09022015). Collection method: clinical testing. Allele origin: germline.
Comment: This sequence change replaces threonine, which is neutral and polar, with methionine, which is neutral and non-polar, at codon 301 of the SLC35C1 protein (p.Thr301Met). The frequency data for this variant in the population databases is considered unreliable, as metrics indicate poor data quality at this position in the gnomAD database. This variant has not been reported in the literature in individuals affected with SLC35C1-related conditions. ClinVar contains an entry for this variant (Variation ID: 940550). Algorithms developed to predict the effect of missense changes on protein structure and function (SIFT, PolyPhen-2, Align-GVGD) all suggest that this variant is likely to be disruptive. In summary, the available evidence is currently insufficient to determine the role of this variant in disease. Therefore, it has been classified as a Variant of Uncertain Significance.